The following is an entry in ClinVar:

NM_012062.5(DNM1L):c.620-88G>A

Gene: DNM1L (dynamin 1 like; plus strand). Cytogenetic location: 12p11.21.
Variant type: single nucleotide variant.
Coding change: c.620-88G>A on transcript NM_012062.5 (MANE Select); 88 bases into the intron before coding-DNA position 620, G replaced by A.
Molecular consequence: intron variant.
Genome position (GRCh38, 1-based): chr12:32,718,555, G>A. VCF-style: chr12-32718555-G-A. GRCh37 (hg19) VCF-style: chr12-32871489-G-A.
Other names: c.659-88G>A (NM_001278464.2, NM_001278465.2, NM_001330380.2); c.132-2109G>A (NM_001278466.2); c.620-88G>A (NM_001278463.2, NM_012063.4, NM_005690.5).
Identifiers: ClinVar variation 675481 (VCV000675481.2), dbSNP rs114070882, ClinGen allele CA235246066.

ClinVar aggregate classification (germline): Likely benign. Review status: criteria provided, multiple submitters, no conflicts (2 of 4 stars). 2 submissions from 2 submitters: Likely benign (2). Last evaluated 2018-06-14.

Allele frequency attached by ClinVar (database versions not stated): gnomAD exomes 0.00108; 1000 Genomes Project 0.00978; gnomAD 0.01039 and 0.01107; 1000 Genomes Project 30x 0.01093; TOPMed 0.01163.
gnomAD v4.1: 3,190 of 1,550,046 alleles (0.21%); highest among the groups gnomAD compares: African/African-American, 3.5%; 67 homozygotes.

Submissions (2):

GeneDx
Classification: Likely benign. Last evaluated: 2018-06-14. Review status: criteria provided, single submitter. Criteria: GeneDx Variant Classification (06012015). Collection method: clinical testing. Allele origin: germline. Affected: yes.
Comment: This variant is considered likely benign or benign based on one or more of the following criteria: it is a conservative change, it occurs at a poorly conserved position in the protein, it is predicted to be benign by multiple in silico algorithms, and/or has population frequency not consistent with disease.

Breakthrough Genomics
Classification: Likely benign. Review status: criteria provided, single submitter. Criteria: ACMG Guidelines, 2015. Collection method: not provided. Allele origin: germline. Inheritance: Autosomal recessive inheritance. Affected: yes.